The following is an entry in ClinVar:

ClinVar aggregate classification (germline): Uncertain significance (1 of 4 stars; one submission).

Allele frequency attached by ClinVar (database versions not stated): ExAC 0.00001; gnomAD exomes 0.00001; TOPMed 0.00002; gnomAD 0.00003.

Submission:

Labcorp Genetics (formerly Invitae), Labcorp
Classification: Uncertain significance. Last evaluated: 2024-01-02. Review status: criteria provided, single submitter. Criteria: Invitae Variant Classification Sherloc (09022015). Collection method: clinical testing. Allele origin: germline.
Comment: This sequence change replaces arginine, which is basic and polar, with tryptophan, which is neutral and slightly polar, at codon 38 of the CNOT1 protein (p.Arg38Trp). The frequency data for this variant in the population databases is considered unreliable, as metrics indicate poor data quality at this position in the gnomAD database. This variant has not been reported in the literature in individuals affected with CNOT1-related conditions. ClinVar contains an entry for this variant (Variation ID: 1982843). An algorithm developed to predict the effect of missense changes on protein structure and function (PolyPhen-2) suggests that this variant is likely to be tolerated. In summary, the available evidence is currently insufficient to determine the role of this variant in disease. Therefore, it has been classified as a Variant of Uncertain Significance.

NM_016284.5(CNOT1):c.112C>T (p.Arg38Trp)

Gene: CNOT1 (CCR4-NOT transcription complex subunit 1; minus strand). Cytogenetic location: 16q21.
Variant type: single nucleotide variant.
Coding change: c.112C>T on transcript NM_016284.5 (MANE Select); coding-DNA position 112, C replaced by T.
Protein change: p.Arg38Trp; replaces arginine 38 with tryptophan.
Molecular consequence: missense variant. On other transcripts: non-coding transcript variant (1).
Genome position (GRCh38, 1-based): chr16:58,588,897, G>A on the plus strand (C>T on the coding strand, the complement: CNOT1 is on the minus strand). VCF-style: chr16-58588897-G-A. GRCh37 (hg19) VCF-style: chr16-58622801-G-A.
Other names: c.112C>T, p.Arg38Trp (NM_001265612.2, NM_206999.3); short protein forms R38W.
Identifiers: ClinVar variation 1982843 (VCV001982843.4), dbSNP rs774322576, ClinGen allele CA8090275.
Genomic context (GRCh38, chr16:58,588,897, plus strand): 5'-TGAAATCCACATGCGAAAATAGGCAGCGTAATAAATGCCTGTCTGCCTCAGGACCGTGCC[G>A]ATTCACAATCTAAAATGACCAAAAATAACATGTTTAATAAGGGAAGATAAAACAAAAAAA-3'
Protein context (NP_057368.3, residues 28-48): SQQEIQHIVN[Arg38Trp]HGPEADRHLL